The following is an entry in ClinVar:

ClinVar aggregate classification (germline): Likely benign. Review status: criteria provided, multiple submitters, no conflicts (2 of 4 stars). 2 submissions from 2 submitters: Likely benign (2). Last evaluated 2025-05-19.

Allele frequency attached by ClinVar (database versions not stated): gnomAD exomes 0.00005 and 0.00008; gnomAD 0.00006; ExAC 0.00008; ESP Exome Variant Server 0.00008; TOPMed 0.00009.
gnomAD v4.1: 84 of 1,613,018 alleles (0.0052%); highest among the groups gnomAD compares: Admixed American, 0.027%; no homozygotes.

Submissions (2):

Labcorp Genetics (formerly Invitae), Labcorp
Classification: Likely benign. Last evaluated: 2025-05-19. Review status: criteria provided, single submitter. Criteria: Invitae Variant Classification Sherloc (09022015). Collection method: clinical testing. Allele origin: germline.

CeGaT Center for Human Genetics Tuebingen
Classification: Likely benign. Last evaluated: 2024-07-01. Review status: criteria provided, single submitter. Criteria: CeGaT Center For Human Genetics Tuebingen Variant Classification Criteria Version 2. Collection method: clinical testing. Allele origin: germline. Affected: yes. Observed: 1 variant allele.
Comment: SLC24A5: BP4, BP7

NM_205850.3(SLC24A5):c.102A>G (p.Gln34=)

Gene: SLC24A5 (solute carrier family 24 member 5; plus strand). Cytogenetic location: 15q21.1.
Variant type: single nucleotide variant.
Coding change: c.102A>G on transcript NM_205850.3 (MANE Select); coding-DNA position 102, A replaced by G.
Protein change: p.Gln34=; no amino-acid change (glutamine 34 retained).
Molecular consequence: synonymous variant.
Genome position (GRCh38, 1-based): chr15:48,121,146, A>G. VCF-style: chr15-48121146-A-G. GRCh37 (hg19) VCF-style: chr15-48413343-A-G.
Identifiers: ClinVar variation 1453287 (VCV001453287.25), dbSNP rs148779787, ClinGen allele CA7545750.